The following is an entry in ClinVar:

NM_001148.6(ANK2):c.7951G>A (p.Val2651Met)

Genes: ANK2 (ankyrin 2; plus strand), LOC126807137 (CDK7 strongly-dependent group 2 enhancer GRCh37_chr4:114276560-114277759; plus strand). Cytogenetic location: 4q26.
Variant type: single nucleotide variant.
Coding change: c.7951G>A on transcript NM_001148.6 (MANE Select); coding-DNA position 7951, G replaced by A.
Protein change: p.Val2651Met; replaces valine 2651 with methionine.
Molecular consequence: missense variant. On other transcripts: intron variant (68).
Genome position (GRCh38, 1-based): chr4:113,356,569, G>A. VCF-style: chr4-113356569-G-A. GRCh37 (hg19) VCF-style: chr4-114277725-G-A.
Other names: c.7717G>A, p.Val2573Met (NM_001386142.1); c.4351G>A, p.Val1451Met (NM_001386166.1); c.8092G>A, p.Val2698Met (NM_001386174.1); c.8068G>A, p.Val2690Met (NM_001386175.1); c.4412-4254G>A (NM_001386186.2, NM_001386148.2); c.4214-4254G>A (NM_001354269.3); c.4292-4254G>A (NM_001386187.2); c.4253-4254G>A (NM_001386147.1); and 35 more; short protein forms V2573M, V2651M, V1451M, V2690M, V2698M.
Identifiers: ClinVar variation 4693934 (VCV004693934.1).

ClinVar aggregate classification (germline): Uncertain significance (1 of 4 stars; one submission).

Conditions:
Long QT syndrome (LQTS). Identifiers: MedGen C0023976, MeSH D008133, MONDO:0002442. Disease mechanism: loss of function. Inheritance: Various modes of inheritance.

Submission:

Labcorp Genetics (formerly Invitae), Labcorp
Classification: Uncertain significance for Long QT syndrome. Last evaluated: 2025-09-01. Review status: criteria provided, single submitter. Criteria: Invitae Variant Classification Sherloc (09022015). Collection method: clinical testing. Allele origin: germline.
Comment: This sequence change replaces valine, which is neutral and non-polar, with methionine, which is neutral and non-polar, at codon 2651 of the ANK2 protein (p.Val2651Met). This variant is not present in population databases (gnomAD no frequency). This variant has not been reported in the literature in individuals affected with ANK2-related conditions. An algorithm developed to predict the effect of missense changes on protein structure and function outputs the following: PolyPhen-2: "Benign". The methionine amino acid residue is found in multiple mammalian species, which suggests that this missense change does not adversely affect protein function. In summary, the available evidence is currently insufficient to determine the role of this variant in disease. Therefore, it has been classified as a Variant of Uncertain Significance.